The following is an entry in ClinVar:

NM_001793.6(CDH3):c.867+6T>C

Gene: CDH3 (cadherin 3; plus strand). Cytogenetic location: 16q22.1.
Variant type: single nucleotide variant.
Coding change: c.867+6T>C on transcript NM_001793.6 (MANE Select); 6 bases into the intron after coding-DNA position 867, T replaced by C.
Molecular consequence: intron variant.
Genome position (GRCh38, 1-based): chr16:68,679,980, T>C. VCF-style: chr16-68679980-T-C. GRCh37 (hg19) VCF-style: chr16-68713883-T-C.
Other names: c.702+6T>C (NM_001317196.2); c.867+6T>C (NM_001317195.3, NM_001793.5).
Identifiers: ClinVar variation 320231 (VCV000320231.12), dbSNP rs753122508, ClinGen allele CA8129161.

ClinVar aggregate classification (germline): Uncertain significance. Review status: criteria provided, multiple submitters, no conflicts (2 of 4 stars). 4 submissions from 4 submitters: Uncertain significance (3). 1 of the submissions does not count toward it. Last evaluated 2024-04-09.

Conditions:
CDH3-related disorder. Also called: CDH3-related condition.
EEM syndrome (EEMS). Identifiers: Orphanet 1897, MedGen C1857041, MONDO:0009155, OMIM 225280.

Allele frequency attached by ClinVar (database versions not stated): ExAC 0.00003; gnomAD 0.00003 and 0.00004; gnomAD exomes 0.00003 and 0.00010; TOPMed 0.00005.
gnomAD v4.1: 153 of 1,613,540 alleles (0.0095%); highest among the groups gnomAD compares: Non-Finnish European, 0.012%; no homozygotes.

Submissions (4):

Blueprint Genetics
Classification: Uncertain significance. Last evaluated: 2024-04-09. Review status: criteria provided, single submitter. Criteria: ACMG Guidelines, 2015. Collection method: clinical testing. Allele origin: germline.

Labcorp Genetics (formerly Invitae), Labcorp
Classification: Uncertain significance. Last evaluated: 2021-12-25. Review status: criteria provided, single submitter. Criteria: Invitae Variant Classification Sherloc (09022015). Collection method: clinical testing. Allele origin: germline.
Comment: This sequence change falls in intron 7 of the CDH3 gene. It does not directly change the encoded amino acid sequence of the CDH3 protein. It affects a nucleotide within the consensus splice site. This variant is present in population databases (rs753122508, gnomAD 0.006%). This variant has not been reported in the literature in individuals affected with CDH3-related conditions. ClinVar contains an entry for this variant (Variation ID: 320231). Variants that disrupt the consensus splice site are a relatively common cause of aberrant splicing (PMID: 17576681, 9536098). Experimental studies and prediction algorithms are not available or were not evaluated, and the effect of this variant on mRNA splicing is currently unknown. In summary, the available evidence is currently insufficient to determine the role of this variant in disease. Therefore, it has been classified as a Variant of Uncertain Significance.

Illumina Laboratory Services, Illumina
Classification: Uncertain significance for EEM syndrome. Last evaluated: 2018-01-13. Review status: criteria provided, single submitter. Criteria: ICSL Variant Classification Criteria 13 December 2019. Collection method: clinical testing. Allele origin: germline.

PreventionGenetics, part of Exact Sciences
Classification: Likely benign for CDH3-related condition. Last evaluated: 2024-04-30. Review status: no assertion criteria provided. Collection method: clinical testing. Allele origin: germline. Not counted in ClinVar's aggregate classification.
Comment: This variant is classified as likely benign based on ACMG/AMP sequence variant interpretation guidelines (Richards et al. 2015 PMID: 25741868, with internal and published modifications).

Literature cited by the submitters: PubMed 17576681 (cited by Labcorp Genetics (formerly Invitae), Labcorp); PubMed 9536098 (cited by Labcorp Genetics (formerly Invitae), Labcorp).